The following is an entry in ClinVar:

NM_012330.4(KAT6B):c.5593C>T (p.Pro1865Ser)

Gene: KAT6B (lysine acetyltransferase 6B; plus strand). Cytogenetic location: 10q22.2.
Variant type: single nucleotide variant.
Coding change: c.5593C>T on transcript NM_012330.4 (MANE Select); coding-DNA position 5593, C replaced by T.
Protein change: p.Pro1865Ser; replaces proline 1865 with serine.
Molecular consequence: missense variant.
Genome position (GRCh38, 1-based): chr10:75,030,417, C>T. VCF-style: chr10-75030417-C-T. GRCh37 (hg19) VCF-style: chr10-76790175-C-T.
Other names: c.4717C>T, p.Pro1573Ser (NM_001370140.1, NM_001370141.1, NM_001370142.1 and 2 more transcripts); c.4528C>T, p.Pro1510Ser (NM_001370143.1, NM_001370144.1); c.5044C>T, p.Pro1682Ser (NM_001256468.2, NM_001370138.1); c.4555C>T, p.Pro1519Ser (NM_001370132.1); c.3904C>T, p.Pro1302Ser (NM_001370133.1); c.3508C>T, p.Pro1170Ser (NM_001370134.1); c.3250C>T, p.Pro1084Ser (NM_001370135.1); c.5593C>T, p.Pro1865Ser (NM_001370136.1, NM_001370137.1); short protein forms P1084S, P1519S, P1865S, P1170S, P1510S, P1682S, P1302S, P1573S.
Identifiers: ClinVar variation 4721726 (VCV004721726.1).
Genomic context (GRCh38, chr10:75,030,417, plus strand): 5'-AACAGTGCCTCTTTGTCCACACCATTAAGTAACACAGGGCTTGTTCAACTTTCTCAGTCT[C>T]CACACTCCGTCCCTGGGGGACCCCAAGCACAAGCTACCATGACCCCACCCCCCAACCTGA-3'
Protein context (NP_036462.2, residues 1855-1875): NTGLVQLSQS[Pro1865Ser]HSVPGGPQAQ

ClinVar aggregate classification (germline): Uncertain significance (1 of 4 stars; one submission).

Conditions:
Genitopatellar syndrome (GTPTS). Also called: ABSENT PATELLAE, SCROTAL HYPOPLASIA, RENAL ANOMALIES, FACIAL DYSMORPHISM, AND MENTAL RETARDATION; Genitopatellar syndrome (GPS). Identifiers: Orphanet 85201, MedGen C1853566, MONDO:0011640, OMIM 606170.

gnomAD v4.1: 3 of 1,614,244 alleles (0.00019%); highest among the groups gnomAD compares: South Asian, 0.0011%; no homozygotes.

Submission:

Labcorp Genetics (formerly Invitae), Labcorp
Classification: Uncertain significance for Genitopatellar syndrome. Last evaluated: 2025-06-19. Review status: criteria provided, single submitter. Criteria: Invitae Variant Classification Sherloc (09022015). Collection method: clinical testing. Allele origin: germline.
Comment: This sequence change replaces proline, which is neutral and non-polar, with serine, which is neutral and polar, at codon 1865 of the KAT6B protein (p.Pro1865Ser). This variant is present in population databases (rs770424556, gnomAD 0.006%). This variant has not been reported in the literature in individuals affected with KAT6B-related conditions. An algorithm developed to predict the effect of missense changes on protein structure and function (PolyPhen-2) suggests that this variant is likely to be disruptive. In summary, the available evidence is currently insufficient to determine the role of this variant in disease. Therefore, it has been classified as a Variant of Uncertain Significance.